The following is an entry in ClinVar:

ClinVar aggregate classification (germline): Conflicting classifications of pathogenicity. Review status: criteria provided, conflicting classifications (1 of 4 stars). 2 submissions from 2 submitters: Likely pathogenic (1); Uncertain significance (1). Last evaluated 2021-08-27.

Conditions:
Neurodegeneration with brain iron accumulation 5 (NBIA5). Also called: Beta-propeller protein-associated neurodegeneration; STATIC ENCEPHALOPATHY OF CHILDHOOD WITH NEURODEGENERATION IN ADULTHOOD. Identifiers: Orphanet 329284, MedGen C3550973, MONDO:0010476, OMIM 300894.

Submissions (2):

Labcorp Genetics (formerly Invitae), Labcorp
Classification: Uncertain significance for Neurodegeneration with brain iron accumulation 5. Last evaluated: 2021-08-27. Review status: criteria provided, single submitter. Criteria: Invitae Variant Classification Sherloc (09022015). Collection method: clinical testing. Allele origin: germline.

GeneDx
Classification: Likely pathogenic. Last evaluated: 2017-10-31. Review status: criteria provided, single submitter. Criteria: GeneDx Variant Classification (06012015). Collection method: clinical testing. Allele origin: germline. Affected: yes.
Comment: The R13P variant is not observed in large population cohorts (Lek et al., 2016). The R13P variant is a non-conservative amino acid substitution, which is likely to impact secondary protein structure as these residues differ in polarity, charge, size and/or other properties. This substitution occurs at a position that is not conserved. In silico analysis is inconsistent in its predictions as to whether or not the variant is damaging to the protein structure/function. We interpret R13P as a likely pathogenic variant,

NM_001029896.2(WDR45):c.38G>C (p.Arg13Pro)

Genes: WDR45 (WD repeat domain 45; minus strand), LOC126863256 (BRD4-independent group 4 enhancer GRCh37_chrX:48934848-48936047; plus strand). Cytogenetic location: Xp11.23.
Variant type: single nucleotide variant.
Coding change: c.38G>C on transcript NM_001029896.2 (MANE Select); coding-DNA position 38, G replaced by C.
Protein change: p.Arg13Pro; replaces arginine 13 with proline.
Molecular consequence: missense variant.
Genome position (GRCh38, 1-based): chrX:49,078,058, C>G on the plus strand (G>C on the coding strand, the complement: WDR45 is on the minus strand). VCF-style: chrX-49078058-C-G. GRCh37 (hg19) VCF-style: chrX-48935717-C-G.
Other names: c.38G>C, p.Arg13Pro (NM_007075.4); short protein forms R13P.
Identifiers: ClinVar variation 449527 (VCV000449527.7), dbSNP rs201177026, ClinGen allele CA412949514.